The following is an entry in ClinVar:

ClinVar aggregate classification (germline): Uncertain significance (1 of 4 stars; one submission).

Conditions:
Combined immunodeficiency due to LRBA deficiency. Also called: Common variable immunodeficiency 8, with autoimmunity. Identifiers: Orphanet 445018, MedGen C3553512, MONDO:0013863, OMIM 614700.

Allele frequency attached by ClinVar (database versions not stated): gnomAD 0.00001; TOPMed 0.00001.
gnomAD v4.1: 30 of 1,609,538 alleles (0.0019%); highest among the groups gnomAD compares: Non-Finnish European, 0.0025%; no homozygotes.

Submission:

Labcorp Genetics (formerly Invitae), Labcorp
Classification: Uncertain significance for Combined immunodeficiency due to LRBA deficiency. Last evaluated: 2022-09-27. Review status: criteria provided, single submitter. Criteria: Invitae Variant Classification Sherloc (09022015). Collection method: clinical testing. Allele origin: germline.
Comment: This sequence change replaces arginine, which is basic and polar, with cysteine, which is neutral and slightly polar, at codon 2646 of the LRBA protein (p.Arg2646Cys). This variant is present in population databases (rs781028480, gnomAD 0.003%). This variant has not been reported in the literature in individuals affected with LRBA-related conditions. ClinVar contains an entry for this variant (Variation ID: 954502). Advanced modeling of protein sequence and biophysical properties (such as structural, functional, and spatial information, amino acid conservation, physicochemical variation, residue mobility, and thermodynamic stability) has been performed at Invitae for this missense variant, however the output from this modeling did not meet the statistical confidence thresholds required to predict the impact of this variant on LRBA protein function. In summary, the available evidence is currently insufficient to determine the role of this variant in disease. Therefore, it has been classified as a Variant of Uncertain Significance.

NM_001364905.1(LRBA):c.7903C>T (p.Arg2635Cys)

Gene: LRBA (LPS responsive beige-like anchor protein; minus strand). Cytogenetic location: 4q31.3.
Variant type: single nucleotide variant.
Coding change: c.7903C>T on transcript NM_001364905.1 (MANE Select); coding-DNA position 7903, C replaced by T.
Protein change: p.Arg2635Cys; replaces arginine 2635 with cysteine.
Molecular consequence: missense variant.
Genome position (GRCh38, 1-based): chr4:150,302,739, G>A on the plus strand (C>T on the coding strand, the complement: LRBA is on the minus strand). VCF-style: chr4-150302739-G-A. GRCh37 (hg19) VCF-style: chr4-151223891-G-A.
Other names: c.7903C>T, p.Arg2635Cys (NM_001199282.3); c.7918C>T, p.Arg2640Cys (NM_001367550.1); c.7936C>T, p.Arg2646Cys (NM_006726.5); short protein forms R2640C, R2635C, R2646C.
Identifiers: ClinVar variation 954502 (VCV000954502.4), dbSNP rs781028480, ClinGen allele CA3101489.
Genomic context (GRCh38, chr4:150,302,739, plus strand): 5'-GAGTTGCATCACGTGACCCTGAGAGAATGTAGCAATTTCCCCCAATATATGACTCAGAAC[G>A]AGCAAGGCAAGTGACGACATCCCAATGGCCAAACACCACTTGGATCAATCTTCCTGTAAT-3'
Protein context (NP_001351834.1, residues 2625-2645): GHWDVVTCLA[Arg2635Cys]SESYIGGNCY